The following is an entry in ClinVar:

ClinVar aggregate classification (germline): Likely benign (1 of 4 stars; one submission).

Submission:

CeGaT Center for Human Genetics Tuebingen
Classification: Likely benign. Last evaluated: 2025-11-01. Review status: criteria provided, single submitter. Criteria: CeGaT Center For Human Genetics Tuebingen Variant Classification Criteria Version 2. Collection method: clinical testing. Allele origin: germline. Affected: yes. Observed: 1 variant allele.
Comment: TRAPPC10: PM2:Supporting, BP4, BP7

NM_003274.5(TRAPPC10):c.3381G>A (p.Gly1127=)

Gene: TRAPPC10 (trafficking protein particle complex subunit 10; plus strand). Cytogenetic location: 21q22.3.
Variant type: single nucleotide variant.
Coding change: c.3381G>A on transcript NM_003274.5 (MANE Select); coding-DNA position 3381, G replaced by A.
Protein change: p.Gly1127=; no amino-acid change (glycine 1127 retained).
Molecular consequence: synonymous variant.
Genome position (GRCh38, 1-based): chr21:44,102,812, G>A. VCF-style: chr21-44102812-G-A. GRCh37 (hg19) VCF-style: chr21-45522693-G-A.
Other names: c.1980G>A, p.Gly660= (NM_001351709.1).
Identifiers: ClinVar variation 4533546 (VCV004533546.6).
Genomic context (GRCh38, chr21:44,102,812, plus strand): 5'-TGACACATCGCTTCCTCTCGTTTCAGTTGTCGACAACAGTAGCAACTGGGCAGTGTGTGG[G>A]AAAAGCTGCGGTGTCATCTCCATGCCAGTGGCTGCTCGGGCCACTCACAGGGTCCACATG-3'
Protein context (NP_003265.3, residues 1117-1137): VDNSSNWAVC[Gly1127=]KSCGVISMPV